The following is an entry in ClinVar:

ClinVar aggregate classification (germline): Likely pathogenic (1 of 4 stars; one submission).

Conditions:
Dilated cardiomyopathy 1G (CMD1G). Identifiers: Orphanet 154, MedGen C1858763, MONDO:0011400, OMIM 604145.
Autosomal recessive limb-girdle muscular dystrophy type 2J (LGMDR10). Also called: Limb-girdle muscular dystrophy, type 2J; MUSCULAR DYSTROPHY, LIMB-GIRDLE, AUTOSOMAL RECESSIVE 10. Identifiers: Orphanet 140922, MedGen C1837342, MONDO:0012127, OMIM 608807.

Submission:

Labcorp Genetics (formerly Invitae), Labcorp
Classification: Likely pathogenic for Dilated cardiomyopathy 1G; Autosomal recessive limb-girdle muscular dystrophy type 2J. Last evaluated: 2024-10-16. Review status: criteria provided, single submitter. Criteria: Invitae Variant Classification Sherloc (09022015). Collection method: clinical testing. Allele origin: germline.
Comment: This sequence change creates a premature translational stop signal (p.Glu1244Aspfs*19) in the TTN gene. While this is not anticipated to result in nonsense mediated decay, it is expected to create a truncated TTN protein. This variant is not present in population databases (gnomAD no frequency). This variant has not been reported in the literature in individuals affected with TTN-related conditions. This variant is located in the Z band of TTN (PMID: 25589632). Truncating variants in this region have been reported in individuals affected with autosomal recessive centronuclear myopathy (PMID: 33449170, internal data). Truncating variants in this region have also been identified in individuals affected with autosomal dominant dilated cardiomyopathy and/or cardio-related conditions (PMID: 27869827, 32964742, internal data). In summary, the currently available evidence indicates that the variant is pathogenic, but additional data are needed to prove that conclusively. Therefore, this variant has been classified as Likely Pathogenic.

Literature cited by the submitters: PubMed 25589632; PubMed 33449170; PubMed 27869827; PubMed 32964742.

NM_001267550.2(TTN):c.3732del (p.Glu1244fs)

Genes: TTN (titin; minus strand), LOC101927055 (uncharacterized LOC101927055; plus strand). Cytogenetic location: 2q31.2.
Variant type: Deletion.
Coding change: c.3732del on transcript NM_001267550.2 (MANE Select); coding-DNA position 3732, one base deleted (A; older notation c.3732delA).
Protein change: p.Glu1244fs; shifts the reading frame from glutamic acid 1244.
Molecular consequence: frameshift variant.
Genome position (GRCh38, 1-based): chr2:178,779,460, T deleted on the plus strand (A on the coding strand, the reverse complement: TTN is on the minus strand); the first of 2 consecutive T bases (chr2:178,779,460-178,779,461); deleting either gives the same sequence. VCF-style (leftmost placement, unchanged base first): chr2-178779459-AT-A. GRCh37 (hg19) VCF-style: chr2-179644186-AT-A.
Other names: c.3732del, p.Glu1244fs (NM_001256850.1, NM_133378.4, NM_133379.5); c.3594del, p.Glu1198fs (NM_003319.4, NM_133432.3, NM_133437.4); short protein forms E1198fs, E1244fs.
Identifiers: ClinVar variation 3759495 (VCV003759495.2).
Genomic context (GRCh38, chr2:178,779,459, plus strand): 5'-TCTTTATTATTCTATATTCAATTTCTTTAATAAGTCTCTCTTCAAAGGAAGAAATATGGA[AT>A]TCCTATGCAAAAAGATTATGGTCTGTTAAAAATACATATCCTTACTGATATAAATTATTT-3'